The following is an entry in ClinVar:

NM_003108.4(SOX11):c.299G>A (p.Arg100Gln)

Gene: SOX11 (SRY-box transcription factor 11; plus strand). Cytogenetic location: 2p25.2.
Variant type: single nucleotide variant.
Coding change: c.299G>A on transcript NM_003108.4 (MANE Select); coding-DNA position 299, G replaced by A.
Protein change: p.Arg100Gln; replaces arginine 100 with glutamine.
Molecular consequence: missense variant.
Genome position (GRCh38, 1-based): chr2:5,693,020, G>A. VCF-style: chr2-5693020-G-A. GRCh37 (hg19) VCF-style: chr2-5833152-G-A.
Other names: short protein forms R100Q.
Identifiers: ClinVar variation 3251955 (VCV003251955.2), dbSNP rs1064794628.

ClinVar aggregate classification (germline): Conflicting classifications of pathogenicity. Review status: criteria provided, conflicting classifications (1 of 4 stars). 2 submissions from 2 submitters: Likely pathogenic (1); Uncertain significance (1). Last evaluated 2025-02-06.

Conditions:
Hypogonadotropic hypogonadism. Also called: Hypogonadotropic hypogonadism with or without anosmia; Hypogonadotrophic hypogonadism; Isolated hypogonadotropic hypogonadism; Low gonadotropins (secondary hypogonadism). Identifiers: Orphanet 432, MedGen C0271623, MONDO:0018555, HP:0000044.

Allele frequency attached by ClinVar (database versions not stated): gnomAD exomes below 0.00001; gnomAD 0.00001.
gnomAD v4.1: 3 of 1,614,006 alleles (0.00019%); highest among the groups gnomAD compares: Non-Finnish European, 0.00025%; no homozygotes.

Submissions (2):

Labcorp Genetics (formerly Invitae), Labcorp
Classification: Uncertain significance. Last evaluated: 2025-02-06. Review status: criteria provided, single submitter. Criteria: Invitae Variant Classification Sherloc (09022015). Collection method: clinical testing. Allele origin: germline.
Comment: This sequence change replaces arginine, which is basic and polar, with glutamine, which is neutral and polar, at codon 100 of the SOX11 protein (p.Arg100Gln). This variant is present in population databases (no rsID available, gnomAD 0.007%). This variant has not been reported in the literature in individuals affected with SOX11-related conditions. ClinVar contains an entry for this variant (Variation ID: 3251955). Invitae Evidence Modeling of protein sequence and biophysical properties (such as structural, functional, and spatial information, amino acid conservation, physicochemical variation, residue mobility, and thermodynamic stability) indicates that this missense variant is not expected to disrupt SOX11 protein function with a negative predictive value of 95%. This variant disrupts the p.Arg100 amino acid residue in SOX11. Other variant(s) that disrupt this residue have been determined to be pathogenic (PMID: 35642566). This suggests that this residue is clinically significant, and that variants that disrupt this residue are likely to be disease-causing. In summary, the available evidence is currently insufficient to determine the role of this variant in disease. Therefore, it has been classified as a Variant of Uncertain Significance.

Reproductive Endocrine Unit, Massachusetts General Hospital
Classification: Likely pathogenic for HYPOGONADOTROPIC HYPOGONADISM. Last evaluated: 2024-06-25. Review status: criteria provided, single submitter. Criteria: ACMG Guidelines, 2015. Collection method: research. Allele origin: unknown. Affected: yes.
Comment: PM1,PM5,PP2,PP3

Literature cited by the submitters: PubMed 35642566 (cited by Labcorp Genetics (formerly Invitae), Labcorp).